The following is an entry in ClinVar:

ClinVar aggregate classification (germline): Pathogenic/Likely pathogenic. Review status: criteria provided, multiple submitters, no conflicts (2 of 4 stars). 2 submissions from 2 submitters: Pathogenic (1); Likely pathogenic (1). Last evaluated 2025-05-29.

Conditions:
Bilateral frontoparietal polymicrogyria. Also called: CORTICAL DYSPLASIA, COMPLEX, WITH OTHER BRAIN MALFORMATIONS 14A (BILATERAL FRONTOPARIETAL); CEREBELLAR ATAXIA WITH NEURONAL MIGRATION DEFECT. Identifiers: Orphanet 101070, MedGen C1847352, MONDO:0011738, OMIM 606854.

Allele frequency attached by ClinVar (database versions not stated): TOPMed below 0.00001; ExAC 0.00001.

Submissions (2):

Natera, Inc.
Classification: Likely pathogenic for Bilateral frontoparietal polymicrogyria. Last evaluated: 2025-05-29. Review status: criteria provided, single submitter. Criteria: Natera Variant Classification Schema (03/2026). Collection method: clinical testing. Allele origin: germline.
Comment: The c.206_209dup variant in ADGRG1 is a frameshift variant predicted to shift the reading frame beginning at codon 71 and leads to a stop codon 14 codons downstream. This variant is expected to result in nonsense mediated decay, truncation, or a dysfunctional protein product. This variant is rare in the general population with a frequency below the threshold expected for the associated phenotype(s). Given the available evidence, this variant is classified as Likely Pathogenic.

Labcorp Genetics (formerly Invitae), Labcorp
Classification: Pathogenic. Last evaluated: 2022-09-24. Review status: criteria provided, single submitter. Criteria: Invitae Variant Classification Sherloc (09022015). Collection method: clinical testing. Allele origin: germline.
Comment: For these reasons, this variant has been classified as Pathogenic. This variant has not been reported in the literature in individuals affected with ADGRG1-related conditions. This variant is not present in population databases (gnomAD no frequency). This sequence change creates a premature translational stop signal (p.Phe71Profs*14) in the ADGRG1 gene. It is expected to result in an absent or disrupted protein product. Loss-of-function variants in ADGRG1 are known to be pathogenic (PMID: 15044805, 20929962).

Literature cited by the submitters: PubMed 15044805 (cited by Labcorp Genetics (formerly Invitae), Labcorp); PubMed 20929962 (cited by Labcorp Genetics (formerly Invitae), Labcorp).

NM_201525.4(ADGRG1):c.206_209dup (p.Phe71fs)

Gene: ADGRG1 (adhesion G protein-coupled receptor G1; plus strand). Cytogenetic location: 16q21.
Variant type: Duplication.
Coding change: c.206_209dup on transcript NM_201525.4 (MANE Select); coding-DNA positions 206 to 209, 4 bases duplicated (CCCC; older notation c.206_209dupCCCC).
Protein change: p.Phe71fs; shifts the reading frame from phenylalanine 71.
Molecular consequence: frameshift variant. On other transcripts: 5 prime UTR variant (5), intron variant (2).
Genome position (GRCh38, 1-based): chr16:57,651,341-57,651,344, CCCC duplicated. VCF-style (leftmost placement, unchanged base first): chr16-57651340-G-GCCCC. GRCh37 (hg19) VCF-style: chr16-57685252-G-GCCCC.
Other names: c.206_209dup (NM_005682.6); c.206_209dup, p.Phe71fs (NM_001145770.3, NM_001145771.3, NM_001145772.3 and 16 more transcripts); c.221_224dup, p.Phe76fs (NM_001145773.3, NM_001370433.1); c.-320_-317dup (NM_001290143.2, NM_001290144.2, NM_001370451.1 and 2 more transcripts); c.110+96_110+99dup (NM_001290142.2); c.65-15_65-12dup (NM_001370442.1); short protein forms F71fs, F76fs.
Identifiers: ClinVar variation 2019888 (VCV002019888.6), dbSNP rs750996728, ClinGen allele CA8078315.